The following is an entry in ClinVar:

ClinVar aggregate classification (germline): Likely pathogenic (1 of 4 stars; one submission).

Conditions:
Autosomal recessive nonsyndromic hearing loss 28. Identifiers: Orphanet 90636, MedGen C1853276, MONDO:0012355, OMIM 609823.

Submission:

Juno Genomics, Hangzhou Juno Genomics, Inc
Classification: Likely pathogenic for Autosomal recessive nonsyndromic hearing loss 28. Review status: criteria provided, single submitter. Criteria: ACMG Guidelines, 2015. Collection method: clinical testing. Allele origin: germline.
Comment: Null variant in a gene where loss of function (LOF) is a known mechanism of disease.;Absent from controls (or at extremely low frequency if recessive) in Genome Aggregation Database.

NM_001039141.3(TRIOBP):c.3967del (p.Ala1323fs)

Gene: TRIOBP (TRIO and F-actin binding protein; plus strand). Cytogenetic location: 22q13.1.
Variant type: Deletion.
Coding change: c.3967del on transcript NM_001039141.3 (MANE Select); coding-DNA position 3967, one base deleted (G; older notation c.3967delG).
Protein change: p.Ala1323fs; shifts the reading frame from alanine 1323.
Molecular consequence: frameshift variant.
Genome position (GRCh38, 1-based): chr22:37,733,317, G deleted; the last of 5 consecutive G bases (chr22:37,733,313-37,733,317); deleting any one gives the same sequence. VCF-style (leftmost placement, unchanged base first): chr22-37733312-CG-C. GRCh37 (hg19) VCF-style: chr22-38129319-CG-C.
Other names: short protein forms A1323fs.
Identifiers: ClinVar variation 5006490 (VCV005006490.2).